The following is an entry in ClinVar:

NM_001010909.5(MUC21):c.267A>T (p.Thr89=)

Gene: MUC21 (mucin 21, cell surface associated; plus strand). Cytogenetic location: 6p21.33.
Variant type: single nucleotide variant.
Coding change: c.267A>T on transcript NM_001010909.5 (MANE Select); coding-DNA position 267, A replaced by T.
Protein change: p.Thr89=; no amino-acid change (threonine 89 retained).
Molecular consequence: synonymous variant. On other transcripts: non-coding transcript variant (1).
Genome position (GRCh38, 1-based): chr6:30,986,442, A>T. VCF-style: chr6-30986442-A-T. GRCh37 (hg19) VCF-style: chr6-30954219-A-T.
Identifiers: ClinVar variation 3778072 (VCV003778072.7).

ClinVar aggregate classification (germline): Likely benign (1 of 4 stars; one submission).

Submission:

CeGaT Center for Human Genetics Tuebingen
Classification: Likely benign. Last evaluated: 2025-03-01. Review status: criteria provided, single submitter. Criteria: CeGaT Center For Human Genetics Tuebingen Variant Classification Criteria Version 2. Collection method: clinical testing. Allele origin: germline. Affected: yes. Observed: 2 variant alleles.
Comment: MUC21: BP4, BP7